The following is an entry in ClinVar:

ClinVar aggregate classification (germline): Benign/Likely benign. Review status: criteria provided, multiple submitters, no conflicts (2 of 4 stars). 2 submissions from 2 submitters: Benign (1); Likely benign (1). Last evaluated 2024-05-23.

Conditions:
Ataxia-telangiectasia syndrome (AT). Also called: Cerebello-oculocutaneous telangiectasia; Immunodeficiency with ataxia telangiectasia; ATAXIA-TELANGIECTASIA, FRESNO VARIANT; Ataxia-telangiectasia, complementation group E; Ataxia-telangiectasia, complementation group D; AT, COMPLEMENTATION GROUP C. Identifiers: Orphanet 100, MedGen C0004135, MONDO:0008840, OMIM 208900.
Familial cancer of breast. Also called: Hereditary breast cancer; BREAST CANCER, FAMILIAL; hereditary breast carcinoma. Identifiers: Orphanet 227535, MedGen C0346153, MONDO:0016419, OMIM 114480. Disease mechanism: loss of function.

Submissions (2):

Myriad Genetics, Inc.
Classification: Benign for Familial cancer of breast. Last evaluated: 2024-05-23. Review status: criteria provided, single submitter. Criteria: Myriad Autosomal Dominant, Autosomal Recessive and X-Linked Classification Criteria (2023). Collection method: clinical testing. Allele origin: unknown.
Comment: This variant is considered benign. This variant is a silent/synonymous amino acid change and it is not expected to impact splicing.

Labcorp Genetics (formerly Invitae), Labcorp
Classification: Likely benign for Ataxia-telangiectasia syndrome. Last evaluated: 2022-08-31. Review status: criteria provided, single submitter. Criteria: Invitae Variant Classification Sherloc (09022015). Collection method: clinical testing. Allele origin: germline.

NM_000051.4(ATM):c.5526T>A (p.Leu1842=)

Gene: ATM (ATM serine/threonine kinase; plus strand). Cytogenetic location: 11q22.3.
Variant type: single nucleotide variant.
Coding change: c.5526T>A on transcript NM_000051.4 (MANE Select); coding-DNA position 5526, T replaced by A.
Protein change: p.Leu1842=; no amino-acid change (leucine 1842 retained).
Molecular consequence: synonymous variant.
Genome position (GRCh38, 1-based): chr11:108,304,704, T>A. VCF-style: chr11-108304704-T-A. GRCh37 (hg19) VCF-style: chr11-108175431-T-A.
Other names: c.5526T>A, p.Leu1842= (NM_001351834.2).
Identifiers: ClinVar variation 1540665 (VCV001540665.9), dbSNP rs2135942991, ClinGen allele CA476675120.